The following is an entry in ClinVar:

NM_000327.4(ROM1):c.703G>A (p.Ala235Thr)

Gene: ROM1 (retinal outer segment membrane protein 1; plus strand). Cytogenetic location: 11q12.3.
Variant type: single nucleotide variant.
Coding change: c.703G>A on transcript NM_000327.4 (MANE Select); coding-DNA position 703, G replaced by A.
Protein change: p.Ala235Thr; replaces alanine 235 with threonine.
Molecular consequence: missense variant.
Genome position (GRCh38, 1-based): chr11:62,614,370, G>A. VCF-style: chr11-62614370-G-A. GRCh37 (hg19) VCF-style: chr11-62381842-G-A.
Other names: short protein forms A235T.
Identifiers: ClinVar variation 879753 (VCV000879753.12), dbSNP rs149255362, ClinGen allele CA6049812.
Genomic context (GRCh38, chr11:62,614,370, plus strand): 5'-TCCTGTTGCAACCCCCACTCACCCCGGCCTTGCCTGCAAAACCGTCTTTCAGACTCCTAC[G>A]CCCACCCCCTGTTCGATCCCCGACAACCCAACCAAAACCTCTGGGCCCAAGGGTGCCATG-3'
Protein context (NP_000318.2, residues 225-245): CLQNRLSDSY[Ala235Thr]HPLFDPRQPN

ClinVar aggregate classification (germline): Conflicting classifications of pathogenicity. Review status: criteria provided, conflicting classifications (1 of 4 stars). 3 submissions from 3 submitters: Uncertain significance (2); Likely benign (1). Last evaluated 2025-06-09.

Conditions:
Retinitis pigmentosa (RP). Identifiers: Orphanet 791, MedGen C0035334, MeSH D012174, MONDO:0019200, OMIM 268000. Inheritance: Autosomal dominant, autosomal recessive and X linked inheritance.

Allele frequency attached by ClinVar (database versions not stated): gnomAD exomes 0.00012; ExAC 0.00016; 1000 Genomes Project 30x 0.00031; 1000 Genomes Project 0.00040; gnomAD 0.00046 and 0.00051; ESP Exome Variant Server 0.00054; TOPMed 0.00063.
gnomAD v4.1: 146 of 1,613,832 alleles (0.009%); highest among the groups gnomAD compares: African/African-American, 0.15%; 1 homozygote.

Submissions (3):

Labcorp Genetics (formerly Invitae), Labcorp
Classification: Uncertain significance. Last evaluated: 2025-06-09. Review status: criteria provided, single submitter. Criteria: Invitae Variant Classification Sherloc (09022015). Collection method: clinical testing. Allele origin: germline.
Comment: This sequence change replaces alanine, which is neutral and non-polar, with threonine, which is neutral and polar, at codon 235 of the ROM1 protein (p.Ala235Thr). This variant is present in population databases (rs149255362, gnomAD 0.2%), and has an allele count higher than expected for a pathogenic variant. This variant has not been reported in the literature in individuals affected with ROM1-related conditions. ClinVar contains an entry for this variant (Variation ID: 879753). Invitae Evidence Modeling of protein sequence and biophysical properties (such as structural, functional, and spatial information, amino acid conservation, physicochemical variation, residue mobility, and thermodynamic stability) indicates that this missense variant is not expected to disrupt ROM1 protein function with a negative predictive value of 80%. In summary, the available evidence is currently insufficient to determine the role of this variant in disease. Therefore, it has been classified as a Variant of Uncertain Significance.

Blueprint Genetics
Classification: Uncertain significance. Last evaluated: 2024-10-22. Review status: criteria provided, single submitter. Criteria: ACMG Guidelines, 2015. Collection method: clinical testing. Allele origin: germline.

Illumina Laboratory Services, Illumina
Classification: Likely benign for Retinitis pigmentosa. Last evaluated: 2018-01-13. Review status: criteria provided, single submitter. Criteria: ICSL Variant Classification Criteria 13 December 2019. Collection method: clinical testing. Allele origin: germline.
Comment: This variant was observed in the ICSL laboratory as part of a predisposition screen in an ostensibly healthy population. It had not been previously curated by ICSL or reported in the Human Gene Mutation Database (HGMD: prior to June 1st, 2018), and was therefore a candidate for classification through an automated scoring system. Utilizing variant allele frequency, disease prevalence and penetrance estimates, and inheritance mode, an automated score was calculated to assess if this variant is too frequent to cause the disease. Based on the score and internal cut-off values, a variant classified as likely benign is not then subjected to further curation. The score for this variant resulted in a classification of likely benign for this disease.